The following is an entry in ClinVar:

ClinVar aggregate classification (germline): Uncertain significance. Review status: criteria provided, multiple submitters, no conflicts (2 of 4 stars). 2 submissions from 2 submitters: Uncertain significance (2). Last evaluated 2025-05-13.

Conditions:
Hereditary sensory and autonomic neuropathy type 6. Also called: Neuropathy, hereditary sensory and autonomic, type VI; HSAN VI. Identifiers: Orphanet 314381, MedGen C3539003, MONDO:0013839, OMIM 614653.
Epidermolysis bullosa simplex 3, localized or generalized intermediate, with BP230 deficiency (EBS3). Also called: Epidermolysis bullosa simplex due to BP230 deficiency; Epidermolysis bullosa simplex, autosomal recessive 2. Identifiers: Orphanet 412181, MedGen C3809470, MONDO:0014180, OMIM 615425.

Allele frequency attached by ClinVar (database versions not stated): gnomAD exomes below 0.00001; TOPMed 0.00001.
gnomAD v4.1: 5 of 1,613,710 alleles (0.00031%); highest among the groups gnomAD compares: Non-Finnish European, 0.00042%; no homozygotes.

Submissions (2):

Mayo Clinic Laboratories, Mayo Clinic
Classification: Uncertain significance. Last evaluated: 2025-05-13. Review status: criteria provided, single submitter. Criteria: ACMG Guidelines, 2015. Collection method: clinical testing. Allele origin: germline. Observed: 3 variant alleles.
Comment: BP4, PM2_supporting

Labcorp Genetics (formerly Invitae), Labcorp
Classification: Uncertain significance for Epidermolysis bullosa simplex 3, localized or generalized intermediate, with BP230 deficiency; Hereditary sensory and autonomic neuropathy type 6. Last evaluated: 2022-05-18. Review status: criteria provided, single submitter. Criteria: Invitae Variant Classification Sherloc (09022015). Collection method: clinical testing. Allele origin: germline.
Comment: The DST gene has multiple clinically relevant transcripts. This variant occurs in alternate transcript NM_015548.4, and corresponds to NM_001723.5: c.*105748G>T in the primary transcript. This sequence change replaces glutamine, which is neutral and polar, with histidine, which is basic and polar, at codon 3672 of the DST protein (p.Gln3672His). This variant is present in population databases (no rsID available, gnomAD 0.002%). This variant has not been reported in the literature in individuals affected with DST-related conditions. Experimental studies and prediction algorithms are not available or were not evaluated, and the functional significance of this variant is currently unknown. In summary, the available evidence is currently insufficient to determine the role of this variant in disease. Therefore, it has been classified as a Variant of Uncertain Significance.

NM_001374736.1(DST):c.18885G>T (p.Gln6295His)

Gene: DST (dystonin; minus strand). Cytogenetic location: 6p12.1.
Variant type: single nucleotide variant.
Coding change: c.18885G>T on transcript NM_001374736.1 (MANE Select); coding-DNA position 18885, G replaced by T.
Protein change: p.Gln6295His; replaces glutamine 6295 with histidine.
Molecular consequence: missense variant.
Genome position (GRCh38, 1-based): chr6:56,509,769, C>A on the plus strand (G>T on the coding strand, the complement: DST is on the minus strand). VCF-style: chr6-56509769-C-A. GRCh37 (hg19) VCF-style: chr6-56374567-C-A.
Other names: p.Gln3672His; c.12528G>T, p.Gln4176His (NM_001144769.5); c.12114G>T, p.Gln4038His (NM_001144770.2); c.18885G>T, p.Gln6295His (NM_001374722.1); c.17925G>T, p.Gln5975His (NM_001374729.1); c.11667G>T, p.Gln3889His (NM_001374730.1); c.18912G>T, p.Gln6304His (NM_001374734.1); c.11994G>T, p.Gln3998His (NM_001386100.1, NM_183380.4); and 1 more; short protein forms Q3672H, Q4038H, Q6295H, Q4176H, Q3889H, Q3998H, Q5975H, Q6304H.
Identifiers: ClinVar variation 2076271 (VCV002076271.3), dbSNP rs1264665303, ClinGen allele CA364524125.
Genomic context (GRCh38, chr6:56,509,769, plus strand): 5'-AGTTTCATACAACGGCTGTAGCTTTTCCATGTCTACTGACACATTCTTATTTTCACTGAT[C>A]TGTTCCTTGATCTTCTCAACCTCTGCAGAGATAGAGGGTGGCTGCCTCAGACGTTCCACG-3'
Protein context (NP_001361665.1, residues 6285-6305): ISAEVEKIKE[Gln6295His]ISENKNVSVD